The following is an entry in ClinVar:

ClinVar aggregate classification (germline): Likely benign (1 of 4 stars; one submission).

Conditions:
JAG1-related disorder. Also called: JAG1-related condition; JAG1-related disorders.

Submission:

PreventionGenetics, part of Exact Sciences
Classification: Likely benign for JAG1-related condition. Last evaluated: 2025-05-15. Review status: criteria provided, single submitter. Criteria: ACMG Guidelines, 2015. Collection method: clinical testing. Allele origin: germline.
Comment: This variant is classified as likely benign based on ACMG/AMP sequence variant interpretation guidelines (Richards et al. 2015 PMID: 25741868, with internal and published modifications).

NM_000214.3(JAG1):c.2016C>T (p.Ser672=)

Gene: JAG1 (jagged canonical Notch ligand 1; minus strand). Cytogenetic location: 20p12.2.
Variant type: single nucleotide variant.
Coding change: c.2016C>T on transcript NM_000214.3 (MANE Select); coding-DNA position 2016, C replaced by T.
Protein change: p.Ser672=; no amino-acid change (serine 672 retained).
Molecular consequence: synonymous variant.
Genome position (GRCh38, 1-based): chr20:10,645,453, G>A on the plus strand (C>T on the coding strand, the complement: JAG1 is on the minus strand). VCF-style: chr20-10645453-G-A. GRCh37 (hg19) VCF-style: chr20-10626101-G-A.
Identifiers: ClinVar variation 4998841 (VCV004998841.1).
Genomic context (GRCh38, chr20:10,645,453, plus strand): 5'-GTCACAGTAGAAGTCATTGACCAGGTCGCGACACGTGCCCCCATTGTGGCAGGGGTTCTG[G>A]CTGCAGTCATTAATATCTAGAATCAAAGGGGAGACAATCGGCTGAAGACGAGATCCAGGA-3'
Protein context (NP_000205.1, residues 662-682): AYCETNINDC[Ser672=]QNPCHNGGTC